The following is an entry in ClinVar:

NM_001267550.2(TTN):c.26283C>T (p.Gly8761=)

Gene: TTN (titin; minus strand). Cytogenetic location: 2q31.2.
Variant type: single nucleotide variant.
Coding change: c.26283C>T on transcript NM_001267550.2 (MANE Select); coding-DNA position 26283, C replaced by T.
Protein change: p.Gly8761=; no amino-acid change (glycine 8761 retained).
Molecular consequence: synonymous variant. On other transcripts: intron variant (3).
Genome position (GRCh38, 1-based): chr2:178,714,491, G>A on the plus strand (C>T on the coding strand, the complement: TTN is on the minus strand). VCF-style: chr2-178714491-G-A. GRCh37 (hg19) VCF-style: chr2-179579218-G-A.
Other names: c.26283C>T (NM_001267550.1); c.25332C>T, p.Gly8444= (NM_001256850.1); c.22551C>T, p.Gly7517= (NM_133378.4); c.13282+23591C>T (NM_003319.4); c.13858+23591C>T (NM_133437.4); c.13657+23591C>T (NM_133432.3).
Identifiers: ClinVar variation 404940 (VCV000404940.6), dbSNP rs376046284, ClinGen allele CA2000036.

ClinVar aggregate classification (germline): Uncertain significance. Review status: criteria provided, multiple submitters, no conflicts (2 of 4 stars). 3 submissions from 3 submitters: Uncertain significance (3). Last evaluated 2026-08-11.

Conditions:
TTN-related disorder. Also called: TTN-related disorders; TTN-related condition; TTN-related disease.
Autosomal recessive limb-girdle muscular dystrophy type 2J (LGMDR10). Also called: Limb-girdle muscular dystrophy, type 2J; MUSCULAR DYSTROPHY, LIMB-GIRDLE, AUTOSOMAL RECESSIVE 10. Identifiers: Orphanet 140922, MedGen C1837342, MONDO:0012127, OMIM 608807.
Dilated cardiomyopathy 1G (CMD1G). Identifiers: Orphanet 154, MedGen C1858763, MONDO:0011400, OMIM 604145.

Allele frequency attached by ClinVar (database versions not stated): gnomAD exomes 0.00002; ExAC 0.00003; ESP Exome Variant Server 0.00008; TOPMed 0.00008; gnomAD 0.00009 and 0.00010.
gnomAD v4.1: 39 of 1,613,210 alleles (0.0024%); highest among the groups gnomAD compares: African/African-American, 0.021%; no homozygotes.

Submissions (3):

PreventionGenetics, part of Exact Sciences
Classification: Uncertain significance for TTN-related condition. Last evaluated: 2026-08-11. Review status: criteria provided, single submitter. Criteria: ACMG Guidelines, 2015. Collection method: clinical testing. Allele origin: germline.
Comment: The TTN c.26283C>T variant is not predicted to result in an amino acid change (p.=). This variant is predicted to alter splicing based on available splicing prediction programs (SpliceAI, Jaganathan et al. 2019. PubMed ID: 30661751). However, the use of computer prediction programs is not equivalent to functional evidence. To our knowledge, this variant has not been reported in the literature. This variant is reported in 0.017% of alleles in individuals of African descent in gnomAD. At this time, the clinical significance of this variant is uncertain due to the absence of conclusive functional and genetic evidence.

GeneDx
Classification: Uncertain significance. Last evaluated: 2022-09-06. Review status: criteria provided, single submitter. Criteria: GeneDx Variant Classification Process June 2021. Collection method: clinical testing. Allele origin: germline. Affected: yes.
Comment: In silico analysis supports a deleterious effect on splicing; Has not been previously published as pathogenic or benign to our knowledge; Not located in a region of TTN in which loss of function variants are significantly associated with TTN-related titinopathies

Labcorp Genetics (formerly Invitae), Labcorp
Classification: Uncertain significance for Dilated cardiomyopathy 1G; Autosomal recessive limb-girdle muscular dystrophy type 2J. Last evaluated: 2016-09-12. Review status: criteria provided, single submitter. Criteria: Invitae Variant Classification Sherloc (09022015). Collection method: clinical testing. Allele origin: germline.